The following is an entry in ClinVar:

NM_000179.3(MSH6):c.1591C>A (p.Pro531Thr)

Gene: MSH6 (mutS homolog 6; plus strand). Cytogenetic location: 2p16.3.
Variant type: single nucleotide variant.
Coding change: c.1591C>A on transcript NM_000179.3 (MANE Select); coding-DNA position 1591, C replaced by A.
Protein change: p.Pro531Thr; replaces proline 531 with threonine.
Molecular consequence: missense variant.
Genome position (GRCh38, 1-based): chr2:47,799,574, C>A. VCF-style: chr2-47799574-C-A. GRCh37 (hg19) VCF-style: chr2-48026713-C-A.
Other names: c.1201C>A, p.Pro401Thr (NM_001281492.2); c.685C>A, p.Pro229Thr (NM_001281493.2, NM_001281494.2); short protein forms P531T, P401T, P229T.
Identifiers: ClinVar variation 220142 (VCV000220142.12), dbSNP rs201721694, ClinGen allele CA348292.

ClinVar aggregate classification (germline): Uncertain significance. Review status: criteria provided, multiple submitters, no conflicts (2 of 4 stars). 4 submissions from 4 submitters: Uncertain significance (4). Last evaluated 2026-04-08.

Conditions:
Hereditary cancer-predisposing syndrome. Also called: Neoplastic Syndromes, Hereditary; Hereditary Cancer Syndrome; Tumor predisposition; Hereditary neoplastic syndrome. Identifiers: Orphanet 140162, MedGen C0027672, MeSH D009386, MONDO:0015356.
Hereditary nonpolyposis colorectal neoplasms. Identifiers: MedGen C0009405, MeSH D003123.

Allele frequency attached by ClinVar (database versions not stated): gnomAD 0.00001; 1000 Genomes Project 30x 0.00016; 1000 Genomes Project 0.00020.
gnomAD v4.1: 1 of 1,614,112 alleles (0.000062%); highest among the groups gnomAD compares: Non-Finnish European, 0.000085%; no homozygotes.

Submissions (4):

Ambry Genetics
Classification: Uncertain significance for Hereditary cancer-predisposing syndrome. Last evaluated: 2026-04-08. Review status: criteria provided, single submitter. Criteria: Ambry Variant Classification Scheme 2023. Collection method: clinical testing. Allele origin: germline.
Comment: The p.P531T variant (also known as c.1591C>A), located in coding exon 4 of the MSH6 gene, results from a C to A substitution at nucleotide position 1591. The proline at codon 531 is replaced by threonine, an amino acid with highly similar properties. This amino acid position is highly conserved in available vertebrate species. In addition, the in silico prediction for this alteration is inconclusive. Based on the available evidence, the clinical significance of this variant remains unclear.

Labcorp Genetics (formerly Invitae), Labcorp
Classification: Uncertain significance for Hereditary nonpolyposis colorectal neoplasms. Last evaluated: 2025-11-05. Review status: criteria provided, single submitter. Criteria: Invitae Variant Classification Sherloc (09022015). Collection method: clinical testing. Allele origin: germline.
Comment: This sequence change replaces proline, which is neutral and non-polar, with threonine, which is neutral and polar, at codon 531 of the MSH6 protein (p.Pro531Thr). This variant is not present in population databases (gnomAD no frequency). This missense change has been observed in individual(s) with Lynch syndrome (PMID: 28874130). ClinVar contains an entry for this variant (Variation ID: 220142). Invitae Evidence Modeling of protein sequence and biophysical properties (such as structural, functional, and spatial information, amino acid conservation, physicochemical variation, residue mobility, and thermodynamic stability) indicates that this missense variant is not expected to disrupt MSH6 protein function with a negative predictive value of 95%. In summary, the available evidence is currently insufficient to determine the role of this variant in disease. Therefore, it has been classified as a Variant of Uncertain Significance.

Color Diagnostics, LLC DBA Color Health
Classification: Uncertain significance for Hereditary cancer-predisposing syndrome. Last evaluated: 2025-10-21. Review status: criteria provided, single submitter. Criteria: ACMG Guidelines, 2015. Collection method: clinical testing. Allele origin: germline.
Comment: This missense variant replaces proline with threonine at codon 531 of the MSH6 protein. Computational prediction suggests that this variant may not impact protein structure and function. To our knowledge, functional studies have not been reported for this variant. This variant has been reported in individuals with clinical histories suggestive of Lynch syndrome (PMID: 28874130). This variant has been identified in 1/152226 chromosomes in the general population by the Genome Aggregation Database (gnomAD). The available evidence is insufficient to determine the role of this variant in disease conclusively. Therefore, this variant is classified as a Variant of Uncertain Significance.

GeneDx
Classification: Uncertain significance. Last evaluated: 2024-01-31. Review status: criteria provided, single submitter. Criteria: GeneDx Variant Classification Process June 2021. Collection method: clinical testing. Allele origin: germline. Affected: yes.
Comment: Not observed at significant frequency in large population cohorts (gnomAD); In silico analysis supports that this missense variant does not alter protein structure/function; Observed in an individual with a personal or family history suggestive of Lynch syndrome (PMID: 28874130); This variant is associated with the following publications: (PMID: 17531815, 21120944, 23621914, 28874130)

Literature cited by the submitters: PubMed 28874130 (cited by Labcorp Genetics (formerly Invitae), Labcorp and Color Diagnostics, LLC DBA Color Health).